The following is an entry in ClinVar:

NM_006767.4(LZTR1):c.400+6C>T

Gene: LZTR1 (leucine zipper like post translational regulator 1; plus strand). Cytogenetic location: 22q11.21.
Variant type: single nucleotide variant.
Coding change: c.400+6C>T on transcript NM_006767.4 (MANE Select); 6 bases into the intron after coding-DNA position 400, C replaced by T.
Molecular consequence: intron variant.
Genome position (GRCh38, 1-based): chr22:20,987,589, C>T. VCF-style: chr22-20987589-C-T. GRCh37 (hg19) VCF-style: chr22-21341878-C-T.
Identifiers: ClinVar variation 2075045 (VCV002075045.6), dbSNP rs971773000, ClinGen allele CA322322875.
Genomic context (GRCh38, chr22:20,987,589, plus strand): 5'-GCCCCCCGTTACCACCACTCGGCCGTCGTCTATGGGAGCAGCATGTTTGTCTTTGGTAAG[C>T]AGCCTCTTGCCTCCCAGGGGCTGTGTCGCCCCGAGGCCCACAGACACCCTGCCCTTCTGC-3'

ClinVar aggregate classification (germline): Uncertain significance. Review status: criteria provided, multiple submitters, no conflicts (2 of 4 stars). 3 submissions from 3 submitters: Uncertain significance (3). Last evaluated 2025-03-07.

Conditions:
Noonan syndrome 10 (NS10). Identifiers: Orphanet 648, MedGen C4225280, MONDO:0014693, OMIM 616564.
LZTR1-related schwannomatosis. Also called: Schwannomatosis 2; Schwannomatosis-2, susceptibility to. Identifiers: Orphanet 93921, MedGen C3810283, MONDO:0014299, OMIM 615670.
Noonan syndrome 2 (NS2). Identifiers: Orphanet 648, MedGen C1854469, MONDO:0011531, OMIM 605275.

Allele frequency attached by ClinVar (database versions not stated): gnomAD exomes 0.00005.
gnomAD v4.1: 66 of 1,613,684 alleles (0.0041%); highest among the groups gnomAD compares: Non-Finnish European, 0.0056%; no homozygotes.

Submissions (3):

Labcorp Genetics (formerly Invitae), Labcorp
Classification: Uncertain significance. Last evaluated: 2025-03-07. Review status: criteria provided, single submitter. Criteria: Invitae Variant Classification Sherloc (09022015). Collection method: clinical testing. Allele origin: germline.
Comment: This sequence change falls in intron 4 of the LZTR1 gene. It does not directly change the encoded amino acid sequence of the LZTR1 protein. It affects a nucleotide within the consensus splice site. This variant is not present in population databases (gnomAD no frequency). This variant has not been reported in the literature in individuals affected with LZTR1-related conditions. ClinVar contains an entry for this variant (Variation ID: 2075045). Variants that disrupt the consensus splice site are a relatively common cause of aberrant splicing (PMID: 17576681, 9536098). Algorithms developed to predict the effect of sequence changes on RNA splicing suggest that this variant is not likely to affect RNA splicing. In summary, the available evidence is currently insufficient to determine the role of this variant in disease. Therefore, it has been classified as a Variant of Uncertain Significance.

Fulgent Genetics
Classification: Uncertain significance for Noonan syndrome 2; LZTR1-related schwannomatosis; Noonan syndrome 10. Last evaluated: 2024-05-21. Review status: criteria provided, single submitter. Criteria: ACMG Guidelines, 2015. Collection method: clinical testing. Allele origin: germline.

Clinical Genomics Laboratory, Stanford Medicine
Classification: Uncertain significance for Noonan syndrome 10; Noonan syndrome 2; LZTR1-related schwannomatosis. Last evaluated: 2023-05-25. Review status: criteria provided, single submitter. Criteria: ACMG Guidelines, 2015. Collection method: clinical testing. Allele origin: germline. Observed: 1 variant allele, 1 heterozygote.
Comment: The c.400+6C>T variant in the LZTR1 gene has not been previously reported in association with disease. This variant was absent from large population databases, including the Genome Aggregation Database. This variant is present in ClinVar (Accession: VCV002075045.5). This variant occurs in the 5’ donor splice site. Computational splicing tools do not agree on the predicted impact to splicing; however, the accuracy of in silico algorithms is limited. These data were assessed using the ACMG/AMP variant interpretation guidelines. In summary, the significance of the c.400+6C>T variant is uncertain. Additional information is needed to resolve the significance of this variant. [ACMG evidence codes used: PM2]

Literature cited by the submitters: PubMed 17576681 (cited by Labcorp Genetics (formerly Invitae), Labcorp); PubMed 9536098 (cited by Labcorp Genetics (formerly Invitae), Labcorp).